The following is an entry in ClinVar:

NM_016148.5(SHANK1):c.3785C>A (p.Ala1262Glu)

Gene: SHANK1 (SH3 and multiple ankyrin repeat domains 1; minus strand). Cytogenetic location: 19q13.33.
Variant type: single nucleotide variant.
Coding change: c.3785C>A on transcript NM_016148.5 (MANE Select); coding-DNA position 3785, C replaced by A.
Protein change: p.Ala1262Glu; replaces alanine 1262 with glutamic acid.
Molecular consequence: missense variant.
Genome position (GRCh38, 1-based): chr19:50,668,175, G>T on the plus strand (C>A on the coding strand, the complement: SHANK1 is on the minus strand). VCF-style: chr19-50668175-G-T. GRCh37 (hg19) VCF-style: chr19-51171432-G-T.
Other names: short protein forms A1262E.
Identifiers: ClinVar variation 1695564 (VCV001695564.2), dbSNP rs2123081476, ClinGen allele CA407015810.

ClinVar aggregate classification (germline): Uncertain significance (1 of 4 stars; one submission).

Submission:

GeneDx
Classification: Uncertain significance. Last evaluated: 2022-01-06. Review status: criteria provided, single submitter. Criteria: GeneDx Variant Classification Process June 2021. Collection method: clinical testing. Allele origin: germline. Affected: yes.
Comment: Not observed at significant frequency in large population cohorts (gnomAD); In silico analysis supports that this missense variant does not alter protein structure/function; Has not been previously published as pathogenic or benign to our knowledge